The following is an entry in ClinVar:

ClinVar aggregate classification (germline): Likely benign (1 of 4 stars; one submission).

Allele frequency attached by ClinVar (database versions not stated): gnomAD 0.00027; ExAC 0.00116; 1000 Genomes Project 30x 0.00203; 1000 Genomes Project 0.00240.
gnomAD v4.1: 830 of 1,613,730 alleles (0.051%); highest among the groups gnomAD compares: South Asian, 0.68%; 6 homozygotes.

Submission:

CeGaT Center for Human Genetics Tuebingen
Classification: Likely benign. Last evaluated: 2023-06-01. Review status: criteria provided, single submitter. Criteria: CeGaT Center For Human Genetics Tuebingen Variant Classification Criteria Version 2. Collection method: clinical testing. Allele origin: germline. Affected: yes. Observed: 1 variant allele.
Comment: ERLEC1: BP4, BS2

NM_015701.5(ERLEC1):c.856G>A (p.Val286Met)

Genes: ERLEC1 (endoplasmic reticulum lectin 1; plus strand), GPR75-ASB3 (GPR75-ASB3 readthrough; minus strand). Cytogenetic location: 2p16.2.
Variant type: single nucleotide variant.
Coding change: c.856G>A on transcript NM_015701.5 (MANE Select); coding-DNA position 856, G replaced by A.
Protein change: p.Val286Met; replaces valine 286 with methionine.
Molecular consequence: missense variant. On other transcripts: intron variant (1).
Genome position (GRCh38, 1-based): chr2:53,801,819, G>A. VCF-style: chr2-53801819-G-A. GRCh37 (hg19) VCF-style: chr2-54028956-G-A.
Other names: c.856G>A, p.Val286Met (NM_001127397.3, NM_001127398.3); c.102-36234C>T (NM_001164165.2); short protein forms V286M.
Identifiers: ClinVar variation 2650912 (VCV002650912.24), dbSNP rs201645542, ClinGen allele CA1656632.